The following is an entry in ClinVar:

NM_016026.4(RDH11):c.334A>G (p.Lys112Glu)

Genes: GPHN (gephyrin; plus strand), RDH11 (retinol dehydrogenase 11; minus strand). Cytogenetic location: 14q24.1.
Variant type: single nucleotide variant.
Coding change: c.334A>G on transcript NM_016026.4 (MANE Select); coding-DNA position 334, A replaced by G.
Protein change: p.Lys112Glu; replaces lysine 112 with glutamic acid.
Molecular consequence: missense variant.
Genome position (GRCh38, 1-based): chr14:67,692,453, T>C on the plus strand (A>G on the coding strand, the complement: RDH11 is on the minus strand). VCF-style: chr14-67692453-T-C. GRCh37 (hg19) VCF-style: chr14-68159170-T-C.
Other names: c.334A>G, p.Lys112Glu (NM_001252650.2); short protein forms K112E.
Identifiers: ClinVar variation 1491987 (VCV001491987.8), dbSNP rs2140082802, ClinGen allele CA390136550.

ClinVar aggregate classification (germline): Uncertain significance (1 of 4 stars; one submission).

Allele frequency attached by ClinVar (database versions not stated): gnomAD exomes below 0.00001.
gnomAD v4.1: 2 of 1,614,154 alleles (0.00012%); highest among the groups gnomAD compares: Non-Finnish European, 0.00017%; no homozygotes.

Submission:

Labcorp Genetics (formerly Invitae), Labcorp
Classification: Uncertain significance. Last evaluated: 2024-02-24. Review status: criteria provided, single submitter. Criteria: Invitae Variant Classification Sherloc (09022015). Collection method: clinical testing. Allele origin: germline.
Comment: This sequence change replaces lysine, which is basic and polar, with glutamic acid, which is acidic and polar, at codon 112 of the RDH11 protein (p.Lys112Glu). This variant is not present in population databases (gnomAD no frequency). This variant has not been reported in the literature in individuals affected with RDH11-related conditions. ClinVar contains an entry for this variant (Variation ID: 1491987). Algorithms developed to predict the effect of missense changes on protein structure and function output the following: SIFT: "Not Available"; PolyPhen-2: "Benign"; Align-GVGD: "Not Available". The glutamic acid amino acid residue is found in multiple mammalian species, which suggests that this missense change does not adversely affect protein function. In summary, the available evidence is currently insufficient to determine the role of this variant in disease. Therefore, it has been classified as a Variant of Uncertain Significance.